The following is an entry in ClinVar:

NM_005876.5(SPEG):c.9221A>G (p.Asp3074Gly)

Genes: ASIC4-AS1 (ASIC4 antisense RNA 1; minus strand), SPEG (striated muscle enriched protein kinase; plus strand). Cytogenetic location: 2q35.
Variant type: single nucleotide variant.
Coding change: c.9221A>G on transcript NM_005876.5 (MANE Select); coding-DNA position 9221, A replaced by G.
Protein change: p.Asp3074Gly; replaces aspartic acid 3074 with glycine.
Molecular consequence: missense variant.
Genome position (GRCh38, 1-based): chr2:219,490,792, A>G. VCF-style: chr2-219490792-A-G. GRCh37 (hg19) VCF-style: chr2-220355514-A-G.
Other names: short protein forms D3074G.
Identifiers: ClinVar variation 1938759 (VCV001938759.5), dbSNP rs2546023220, ClinGen allele CA350715147.

ClinVar aggregate classification (germline): Uncertain significance (1 of 4 stars; one submission).

Submission:

Labcorp Genetics (formerly Invitae), Labcorp
Classification: Uncertain significance. Last evaluated: 2025-08-18. Review status: criteria provided, single submitter. Criteria: Invitae Variant Classification Sherloc (09022015). Collection method: clinical testing. Allele origin: germline.
Comment: This sequence change replaces aspartic acid, which is acidic and polar, with glycine, which is neutral and non-polar, at codon 3074 of the SPEG protein (p.Asp3074Gly). This variant is not present in population databases (gnomAD no frequency). This variant has not been reported in the literature in individuals affected with SPEG-related conditions. ClinVar contains an entry for this variant (Variation ID: 1938759). An algorithm developed to predict the effect of missense changes on protein structure and function (PolyPhen-2) suggests that this variant is likely to be tolerated. In summary, the available evidence is currently insufficient to determine the role of this variant in disease. Therefore, it has been classified as a Variant of Uncertain Significance.